The following is an entry in ClinVar:

NC_000004.11:g.(?_121616266)_(121720900_?)del

Gene: PRDM5 (PR/SET domain 5; minus strand). Cytogenetic location: 4q27.
Variant type: Deletion.
Identifiers: ClinVar variation 1076993 (VCV001076993.1).

ClinVar aggregate classification (germline): Pathogenic (1 of 4 stars; one submission).

Submission:

Labcorp Genetics (formerly Invitae), Labcorp
Classification: Pathogenic. Last evaluated: 2017-08-16. Review status: criteria provided, single submitter. Criteria: Invitae Variant Classification Sherloc (09022015). Collection method: clinical testing. Allele origin: germline.
Comment: This variant is a gross deletion of the genomic region encompassing exons 9-16 of the PRDM5 gene. The 5' boundary is likely confined to intron 8. The 3' end of this event is unknown as it extends through the termination codon beyond the assayed region for this gene and may encompass additional genes. While this deletion is not anticipated to result in nonsense mediated decay, it is expected to create a truncated protein product or disrupt mRNA translation. This variant has not been reported in the literature in individuals with PRDM5-related disease. An in-frame deletion of exons 9-14 has been determined to be pathogenic (PMID: 21664999). This suggests that deletion of this region of the PRDM5 protein is causative of disease. For these reasons, this variant has been classified as Pathogenic.

Literature cited by the submitters: PubMed 21664999.